The following is an entry in ClinVar:

ClinVar aggregate classification (germline): Uncertain significance. Review status: criteria provided, multiple submitters, no conflicts (2 of 4 stars). 2 submissions from 2 submitters: Uncertain significance (2). Last evaluated 2025-04-28.

Conditions:
Dyskeratosis congenita, autosomal recessive 5 (DKCB5). Identifiers: MedGen C3554656, MONDO:0014076, OMIM 615190.
Pulmonary fibrosis and/or bone marrow failure, Telomere-related, 3. Also called: PULMONARY FIBROSIS AND/OR BONE MARROW FAILURE SYNDROME, TELOMERE-RELATED, 3. Identifiers: Orphanet 2032, MedGen C4225346, MONDO:0014613, OMIM 616373.
Inborn genetic diseases. Identifiers: MedGen C0950123, MeSH D030342.

gnomAD v4.1: 12 of 1,612,322 alleles (0.00074%); highest among the groups gnomAD compares: Middle Eastern, 0.016%; no homozygotes.

Submissions (2):

Labcorp Genetics (formerly Invitae), Labcorp
Classification: Uncertain significance for Dyskeratosis congenita, autosomal recessive 5; Pulmonary fibrosis and/or bone marrow failure, Telomere-related, 3. Last evaluated: 2025-04-28. Review status: criteria provided, single submitter. Criteria: Invitae Variant Classification Sherloc (09022015). Collection method: clinical testing. Allele origin: germline.
Comment: This sequence change replaces glutamine, which is neutral and polar, with glutamic acid, which is acidic and polar, at codon 1014 of the RTEL1 protein (p.Gln1014Glu). This variant is present in population databases (rs747743374, gnomAD 0.0009%). This variant has not been reported in the literature in individuals affected with RTEL1-related conditions. An algorithm developed to predict the effect of missense changes on protein structure and function (PolyPhen-2) suggests that this variant is likely to be tolerated. In summary, the available evidence is currently insufficient to determine the role of this variant in disease. Therefore, it has been classified as a Variant of Uncertain Significance.

Ambry Genetics
Classification: Uncertain significance for Inborn genetic diseases. Last evaluated: 2025-03-26. Review status: criteria provided, single submitter. Criteria: Ambry Variant Classification Scheme 2023. Collection method: clinical testing. Allele origin: germline.
Comment: The p.Q1014E variant (also known as c.3040C>G), located in coding exon 30 of the RTEL1 gene, results from a C to G substitution at nucleotide position 3040. The glutamine at codon 1014 is replaced by glutamic acid, an amino acid with highly similar properties. This amino acid position is conserved. In addition, this alteration is predicted to be tolerated by in silico analysis. Based on the available evidence, the clinical significance of this variant remains unclear.

NM_001283009.2(RTEL1):c.3040C>G (p.Gln1014Glu)

Genes: RTEL1 (regulator of telomere elongation helicase 1; plus strand), RTEL1-TNFRSF6B (RTEL1-TNFRSF6B readthrough (NMD candidate); plus strand). Cytogenetic location: 20q13.33.
Variant type: single nucleotide variant.
Coding change: c.3040C>G on transcript NM_001283009.2 (MANE Select); coding-DNA position 3040, C replaced by G.
Protein change: p.Gln1014Glu; replaces glutamine 1014 with glutamic acid.
Molecular consequence: missense variant. On other transcripts: non-coding transcript variant (1).
Genome position (GRCh38, 1-based): chr20:63,694,419, C>G. VCF-style: chr20-63694419-C-G. GRCh37 (hg19) VCF-style: chr20-62325772-C-G.
Other names: c.2371C>G, p.Gln791Glu (NM_001283010.1); c.3040C>G, p.Gln1014Glu (NM_016434.4); c.3112C>G, p.Gln1038Glu (NM_032957.5); short protein forms Q791E, Q1038E, Q1014E.
Identifiers: ClinVar variation 3948256 (VCV003948256.2).